The following is an entry in ClinVar:

ClinVar aggregate classification (germline): Likely benign (1 of 4 stars; one submission).

gnomAD v4.1: 49 of 1,611,904 alleles (0.003%); highest among the groups gnomAD compares: South Asian, 0.048%; 1 homozygote.

Submission:

Women's Health and Genetics/Laboratory Corporation of America, LabCorp
Classification: Likely benign. Last evaluated: 2024-12-05. Review status: criteria provided, single submitter. Criteria: LabCorp Variant Classification Summary - May 2015. Collection method: clinical testing. Allele origin: germline.
Comment: Variant summary: CFHR4 c.758C>T (p.Thr253Ile) results in a non-conservative amino acid change located in the Sushi/CCP/SCR domain (IPR000436) of the encoded protein sequence. Three of five in-silico tools predict a benign effect of the variant on protein function. The variant allele was found at a frequency of 3.2e-05 in 1460622 control chromosomes, predominantly at a frequency of 0.00049 within the South Asian subpopulation in the gnomAD database, including 1 homozygote. The observed variant frequency within South Asian control individuals in the gnomAD database is approximately 3 fold of the estimated maximal expected allele frequency for a pathogenic variant in CFHR4 causing Genetic Atypical Hemolytic Uremic Syndrome phenotype (0.00016). To our knowledge, no occurrence of c.758C>T in individuals affected with Genetic Atypical Hemolytic Uremic Syndrome and no experimental evidence demonstrating its impact on protein function have been reported. No submitters have cited clinical-significance assessments for this variant to ClinVar. Based on the evidence outlined above, the variant was classified as likely benign.

NM_001201550.3(CFHR4):c.758C>T (p.Thr253Ile)

Gene: CFHR4 (complement factor H related 4; plus strand). Cytogenetic location: 1q31.3.
Variant type: single nucleotide variant.
Coding change: c.758C>T on transcript NM_001201550.3 (MANE Select); coding-DNA position 758, C replaced by T.
Protein change: p.Thr253Ile; replaces threonine 253 with isoleucine.
Molecular consequence: missense variant. On other transcripts: intron variant (1).
Genome position (GRCh38, 1-based): chr1:196,907,457, C>T. VCF-style: chr1-196907457-C-T. GRCh37 (hg19) VCF-style: chr1-196876587-C-T.
Other names: c.755C>T, p.Thr252Ile (NM_001201551.2); c.256+4842C>T (NM_006684.5); short protein forms T252I, T253I.
Identifiers: ClinVar variation 3768252 (VCV003768252.1).
Genomic context (GRCh38, chr1:196,907,457, plus strand): 5'-GGTCAAGAGTCGAGTACCAGTGCCAGTCCTACTATGAACTTCAGGGTTCTAAATATGTAA[C>T]ATGTAGTAATGGAGACTGGTCAGAACCACCAAGATGCATATGTAAGTTCTTAATATTCTG-3'
Protein context (NP_001188479.1, residues 243-263): YYELQGSKYV[Thr253Ile]CSNGDWSEPP